The following is an entry in ClinVar:

ClinVar aggregate classification (germline): Pathogenic. Review status: criteria provided, multiple submitters, no conflicts (2 of 4 stars). 3 submissions from 3 submitters: Pathogenic (3). Last evaluated 2024-04-15.

Conditions:
Hereditary cancer-predisposing syndrome. Also called: Tumor predisposition; Neoplastic Syndromes, Hereditary; Hereditary Cancer Syndrome; Hereditary neoplastic syndrome. Identifiers: Orphanet 140162, MedGen C0027672, MeSH D009386, MONDO:0015356.
Familial cancer of breast. Also called: BREAST CANCER, FAMILIAL; hereditary breast carcinoma; Hereditary breast cancer. Identifiers: Orphanet 227535, MedGen C0346153, MONDO:0016419, OMIM 114480. Disease mechanism: loss of function.
Ataxia-telangiectasia syndrome (AT). Also called: Ataxia-telangiectasia; Ataxia-telangiectasia, complementation group D; AT, COMPLEMENTATION GROUP C; LOUIS-BAR SYNDROME; Cerebello-oculocutaneous telangiectasia; Immunodeficiency with ataxia telangiectasia. Identifiers: Orphanet 100, MedGen C0004135, MONDO:0008840, OMIM 208900.

Submissions (3):

Labcorp Genetics (formerly Invitae), Labcorp
Classification: Pathogenic for Ataxia-telangiectasia syndrome. Last evaluated: 2024-04-15. Review status: criteria provided, single submitter. Criteria: Invitae Variant Classification Sherloc (09022015). Collection method: clinical testing. Allele origin: germline.
Comment: This sequence change creates a premature translational stop signal (p.Ile490Tyrfs*9) in the ATM gene. It is expected to result in an absent or disrupted protein product. Loss-of-function variants in ATM are known to be pathogenic (PMID: 23807571, 25614872). This variant is not present in population databases (gnomAD no frequency). This variant has not been reported in the literature in individuals affected with ATM-related conditions. ClinVar contains an entry for this variant (Variation ID: 487030). For these reasons, this variant has been classified as Pathogenic.

Myriad Genetics, Inc.
Classification: Pathogenic for Familial cancer of breast. Last evaluated: 2024-01-16. Review status: criteria provided, single submitter. Criteria: Myriad Autosomal Dominant, Autosomal Recessive and X-Linked Classification Criteria (2023). Collection method: clinical testing. Allele origin: unknown.
Comment: This variant is considered pathogenic. This variant creates a frameshift predicted to result in premature protein truncation.

Ambry Genetics
Classification: Pathogenic for Hereditary cancer-predisposing syndrome. Last evaluated: 2019-01-21. Review status: criteria provided, single submitter. Criteria: Ambry Variant Classification Scheme 2023. Collection method: clinical testing. Allele origin: germline.
Comment: The c.1467dupT pathogenic mutation, located in coding exon 9 of the ATM gene, results from a duplication of T at nucleotide position 1467, causing a translational frameshift with a predicted alternate stop codon (p.I490Yfs*9). This alteration is expected to result in loss of function by premature protein truncation or nonsense-mediated mRNA decay. As such, this alteration is interpreted as a disease-causing mutation.

Literature cited by the submitters: PubMed 23807571 (cited by Labcorp Genetics (formerly Invitae), Labcorp); PubMed 25614872 (cited by Labcorp Genetics (formerly Invitae), Labcorp).

NM_000051.4(ATM):c.1467dup (p.Ile490fs)

Gene: ATM (ATM serine/threonine kinase; plus strand). Cytogenetic location: 11q22.3.
Variant type: Duplication.
Coding change: c.1467dup on transcript NM_000051.4 (MANE Select); coding-DNA position 1467, one base duplicated (T; older notation c.1467dupT).
Protein change: p.Ile490fs; shifts the reading frame from isoleucine 490.
Molecular consequence: frameshift variant.
Genome position (GRCh38, 1-based): chr11:108,250,932, T duplicated. VCF-style (leftmost placement, unchanged base first): chr11-108250931-G-GT. GRCh37 (hg19) VCF-style: chr11-108121658-G-GT.
Other names: c.1467dupT (NM_000051.3); c.1467dup, p.Ile490fs (NM_001351834.2); short protein forms I490fs.
Identifiers: ClinVar variation 487030 (VCV000487030.12), dbSNP rs1555071002, ClinGen allele CA658656147.